The following is an entry in ClinVar:

ClinVar aggregate classification (germline): Uncertain significance. Review status: criteria provided, multiple submitters, no conflicts (2 of 4 stars). 2 submissions from 2 submitters: Uncertain significance (2). Last evaluated 2025-10-29.

Conditions:
Pulmonary alveolar proteinosis with hypogammaglobulinemia. Identifiers: Orphanet 572428, MedGen C4747984, MONDO:0020840, OMIM 618042.

Allele frequency attached by ClinVar (database versions not stated): ExAC 0.00002; gnomAD exomes 0.00003 and 0.00004; TOPMed 0.00004; gnomAD 0.00005.

Submissions (2):

Labcorp Genetics (formerly Invitae), Labcorp
Classification: Uncertain significance. Last evaluated: 2025-10-29. Review status: criteria provided, single submitter. Criteria: Invitae Variant Classification Sherloc (09022015). Collection method: clinical testing. Allele origin: germline.
Comment: This sequence change replaces aspartic acid, which is acidic and polar, with asparagine, which is neutral and polar, at codon 357 of the OAS1 protein (p.Asp357Asn). This variant is present in population databases (rs778513331, gnomAD 0.006%). This variant has not been reported in the literature in individuals affected with OAS1-related conditions. ClinVar contains an entry for this variant (Variation ID: 1422925). An algorithm developed to predict the effect of missense changes on protein structure and function (PolyPhen-2) suggests that this variant is likely to be tolerated. In summary, the available evidence is currently insufficient to determine the role of this variant in disease. Therefore, it has been classified as a Variant of Uncertain Significance.

Ambry Genetics
Classification: Uncertain significance. Last evaluated: 2025-09-25. Review status: criteria provided, single submitter. Criteria: Ambry Variant Classification Scheme 2023. Collection method: clinical testing. Allele origin: germline.

NM_016816.4(OAS1):c.1069G>A (p.Asp357Asn)

Gene: OAS1 (2'-5'-oligoadenylate synthetase 1; plus strand). Cytogenetic location: 12q24.13.
Variant type: single nucleotide variant.
Coding change: c.1069G>A on transcript NM_016816.4 (MANE Select); coding-DNA position 1069, G replaced by A.
Protein change: p.Asp357Asn; replaces aspartic acid 357 with asparagine.
Molecular consequence: missense variant. On other transcripts: intron variant (2).
Genome position (GRCh38, 1-based): chr12:112,919,419, G>A. VCF-style: chr12-112919419-G-A. GRCh37 (hg19) VCF-style: chr12-113357224-G-A.
Other names: c.1069G>A (NM_016816.2, NM_016816.3); c.1038+1719G>A (NM_001320151.2); c.1039-68G>A (NM_001032409.3); short protein forms D357N.
Identifiers: ClinVar variation 1422925 (VCV001422925.9), dbSNP rs778513331, ClinGen allele CA6800002.